The following is an entry in ClinVar:

ClinVar aggregate classification (germline): Uncertain significance (1 of 4 stars; one submission).

Submission:

Labcorp Genetics (formerly Invitae), Labcorp
Classification: Uncertain significance. Last evaluated: 2022-08-22. Review status: criteria provided, single submitter. Criteria: Invitae Variant Classification Sherloc (09022015). Collection method: clinical testing. Allele origin: germline.
Comment: In summary, the available evidence is currently insufficient to determine the role of this variant in disease. Therefore, it has been classified as a Variant of Uncertain Significance. Advanced modeling of protein sequence and biophysical properties (such as structural, functional, and spatial information, amino acid conservation, physicochemical variation, residue mobility, and thermodynamic stability) performed at Invitae indicates that this missense variant is not expected to disrupt FLNB protein function. This variant has not been reported in the literature in individuals affected with FLNB-related conditions. This variant is not present in population databases (gnomAD no frequency). This sequence change replaces lysine, which is basic and polar, with glutamic acid, which is acidic and polar, at codon 681 of the FLNB protein (p.Lys681Glu).

NM_001457.4(FLNB):c.2041A>G (p.Lys681Glu)

Gene: FLNB (filamin B; plus strand). Cytogenetic location: 3p14.3.
Variant type: single nucleotide variant.
Coding change: c.2041A>G on transcript NM_001457.4 (MANE Select); coding-DNA position 2041, A replaced by G.
Protein change: p.Lys681Glu; replaces lysine 681 with glutamic acid.
Molecular consequence: missense variant.
Genome position (GRCh38, 1-based): chr3:58,108,557, A>G. VCF-style: chr3-58108557-A-G. GRCh37 (hg19) VCF-style: chr3-58094284-A-G.
Other names: c.2041A>G, p.Lys681Glu (NM_001164317.2, NM_001164318.2, NM_001164319.2); short protein forms K681E.
Identifiers: ClinVar variation 1716458 (VCV001716458.5), dbSNP rs2471081913, ClinGen allele CA353342423.